The following is an entry in ClinVar:

NM_006214.4(PHYH):c.517C>A (p.Pro173Thr)

Gene: PHYH (phytanoyl-CoA 2-hydroxylase; minus strand). Cytogenetic location: 10p13.
Variant type: single nucleotide variant.
Coding change: c.517C>A on transcript NM_006214.4 (MANE Select); coding-DNA position 517, C replaced by A.
Protein change: p.Pro173Thr; replaces proline 173 with threonine.
Molecular consequence: missense variant. On other transcripts: intron variant (1).
Genome position (GRCh38, 1-based): chr10:13,288,521, G>T on the plus strand (C>A on the coding strand, the complement: PHYH is on the minus strand). VCF-style: chr10-13288521-G-T. GRCh37 (hg19) VCF-style: chr10-13330521-G-T.
Other names: c.217C>A, p.Pro73Thr (NM_001037537.2, NM_001323080.2); c.523C>A, p.Pro175Thr (NM_001323082.2); c.223C>A, p.Pro75Thr (NM_001323084.2); c.415-4682C>A (NM_001323083.2); short protein forms P173T, P73T, P175T, P75T.
Identifiers: ClinVar variation 866619 (VCV000866619.5), dbSNP rs1835617888, ClinGen allele CA376035821.
Genomic context (GRCh38, chr10:13,288,521, plus strand): 5'-AGGCGCAAACGATGAGATCGCTGGGCCTGAAGGGGAAATAGTGCAGGTCCTGGTGCAGGG[G>T]GTGACGGGACGTCTTCTTGCCTGAAAAGAAAACCTGCTACTAAAGGATACTCGAGGCCGA-3'
Protein context (NP_006205.1, residues 163-183): PDSGKKTSRH[Pro173Thr]LHQDLHYFPF

ClinVar aggregate classification (germline): Conflicting classifications of pathogenicity. Review status: criteria provided, conflicting classifications (1 of 4 stars). 2 submissions from 2 submitters: Likely pathogenic (1); Uncertain significance (1). Last evaluated 2023-11-25.

Conditions:
PHYH-related disorder. Also called: PHYH-related condition.

gnomAD v4.1: 2 of 1,614,116 alleles (0.00012%); highest among the groups gnomAD compares: Non-Finnish European, 0.00017%; no homozygotes.

Submissions (2):

Labcorp Genetics (formerly Invitae), Labcorp
Classification: Uncertain significance. Last evaluated: 2023-11-25. Review status: criteria provided, single submitter. Criteria: Invitae Variant Classification Sherloc (09022015). Collection method: clinical testing. Allele origin: germline.
Comment: This sequence change replaces proline, which is neutral and non-polar, with threonine, which is neutral and polar, at codon 173 of the PHYH protein (p.Pro173Thr). This variant is not present in population databases (gnomAD no frequency). This variant has not been reported in the literature in individuals affected with PHYH-related conditions. ClinVar contains an entry for this variant (Variation ID: 866619). Advanced modeling of protein sequence and biophysical properties (such as structural, functional, and spatial information, amino acid conservation, physicochemical variation, residue mobility, and thermodynamic stability) performed at Invitae indicates that this missense variant is expected to disrupt PHYH protein function with a positive predictive value of 80%. In summary, the available evidence is currently insufficient to determine the role of this variant in disease. Therefore, it has been classified as a Variant of Uncertain Significance.

Blueprint Genetics
Classification: Likely pathogenic for PHYH-related disorders. Last evaluated: 2018-10-19. Review status: criteria provided, single submitter. Criteria: ACMG Guidelines, 2015. Collection method: clinical testing. Allele origin: germline. Affected: yes. Observed: 1 variant allele.